The following is an entry in ClinVar:

ClinVar aggregate classification (germline): Pathogenic (1 of 4 stars; one submission).

Allele frequency attached by ClinVar (database versions not stated): gnomAD exomes below 0.00001.

Submission:

Labcorp Genetics (formerly Invitae), Labcorp
Classification: Pathogenic. Last evaluated: 2023-01-29. Review status: criteria provided, single submitter. Criteria: Invitae Variant Classification Sherloc (09022015). Collection method: clinical testing. Allele origin: germline.
Comment: This variant is not present in population databases (gnomAD no frequency). For these reasons, this variant has been classified as Pathogenic. This variant has not been reported in the literature in individuals affected with ADGRV1-related conditions. This sequence change creates a premature translational stop signal (p.Leu5452Serfs*26) in the ADGRV1 gene. It is expected to result in an absent or disrupted protein product. Loss-of-function variants in ADGRV1 are known to be pathogenic (PMID: 19357117, 22135276, 22147658, 26226137, 30718709, 31047384, 32467589).

Literature cited by the submitters: PubMed 19357117; PubMed 22135276; PubMed 22147658; PubMed 26226137; PubMed 30718709; PubMed 31047384; PubMed 32467589.

NM_032119.4(ADGRV1):c.16354del (p.Leu5452fs)

Gene: ADGRV1 (adhesion G protein-coupled receptor V1; plus strand). Cytogenetic location: 5q14.3.
Variant type: Deletion.
Coding change: c.16354del on transcript NM_032119.4 (MANE Select); coding-DNA position 16354, one base deleted (C; older notation c.16354delC).
Protein change: p.Leu5452fs; shifts the reading frame from leucine 5452.
Molecular consequence: frameshift variant. On other transcripts: non-coding transcript variant (1).
Genome position (GRCh38, 1-based): chr5:90,823,582, C deleted. VCF-style (leftmost placement, unchanged base first): chr5-90823581-AC-A. GRCh37 (hg19) VCF-style: chr5-90119398-AC-A.
Other names: short protein forms L5452fs.
Identifiers: ClinVar variation 2832751 (VCV002832751.3), dbSNP rs2532311257, ClinGen allele CA2674577104.